The following is an entry in ClinVar:

NM_138615.3(DHX30):c.1352C>T (p.Pro451Leu)

Gene: DHX30 (DExH-box helicase 30; plus strand). Cytogenetic location: 3p21.31.
Variant type: single nucleotide variant.
Coding change: c.1352C>T on transcript NM_138615.3 (MANE Select); coding-DNA position 1352, C replaced by T.
Protein change: p.Pro451Leu; replaces proline 451 with leucine.
Molecular consequence: missense variant.
Genome position (GRCh38, 1-based): chr3:47,846,424, C>T. VCF-style: chr3-47846424-C-T. GRCh37 (hg19) VCF-style: chr3-47887914-C-T.
Other names: c.1268C>T, p.Pro423Leu (NM_001330990.2); c.1235C>T, p.Pro412Leu (NM_014966.4); short protein forms P423L, P451L, P412L.
Identifiers: ClinVar variation 915350 (VCV000915350.8), dbSNP rs368673690, ClinGen allele CA2369904.

ClinVar aggregate classification (germline): Uncertain significance. Review status: criteria provided, multiple submitters, no conflicts (2 of 4 stars). 2 submissions from 2 submitters: Uncertain significance (2). Last evaluated 2025-03-23.

Conditions:
Neurodevelopmental disorder with severe motor impairment and absent language. Also called: NEURODEVELOPMENTAL DISORDER WITH VARIABLE MOTOR AND LANGUAGE IMPAIRMENT. Identifiers: Orphanet 647788, MedGen C4540496, MONDO:0060622, OMIM 617804.

Allele frequency attached by ClinVar (database versions not stated): gnomAD exomes below 0.00001 and 0.00001; ExAC 0.00001; TOPMed 0.00002; ESP Exome Variant Server 0.00008.

Submissions (2):

Labcorp Genetics (formerly Invitae), Labcorp
Classification: Uncertain significance. Last evaluated: 2025-03-23. Review status: criteria provided, single submitter. Criteria: Invitae Variant Classification Sherloc (09022015). Collection method: clinical testing. Allele origin: germline.
Comment: This sequence change replaces proline, which is neutral and non-polar, with leucine, which is neutral and non-polar, at codon 451 of the DHX30 protein (p.Pro451Leu). This variant is present in population databases (rs368673690, gnomAD 0.003%). This variant has not been reported in the literature in individuals affected with DHX30-related conditions. ClinVar contains an entry for this variant (Variation ID: 915350). An algorithm developed to predict the effect of missense changes on protein structure and function (PolyPhen-2) suggests that this variant is likely to be disruptive. In summary, the available evidence is currently insufficient to determine the role of this variant in disease. Therefore, it has been classified as a Variant of Uncertain Significance.

Genomic Research Center, Shahid Beheshti University of Medical Sciences
Classification: Uncertain significance for Neurodevelopmental disorder with severe motor impairment and absent language. Last evaluated: 2020-05-03. Review status: criteria provided, single submitter. Criteria: ACMG Guidelines, 2015. Collection method: clinical testing. Allele origin: unknown. Affected: yes.